The following is an entry in ClinVar:

NM_003172.4(SURF1):c.720C>T (p.Gly240=)

Gene: SURF1 (SURF1 cytochrome c oxidase assembly factor; minus strand). Cytogenetic location: 9q34.2.
Variant type: single nucleotide variant.
Coding change: c.720C>T on transcript NM_003172.4 (MANE Select); coding-DNA position 720, C replaced by T.
Protein change: p.Gly240=; no amino-acid change (glycine 240 retained).
Molecular consequence: synonymous variant.
Genome position (GRCh38, 1-based): chr9:133,352,477, G>A on the plus strand (C>T on the coding strand, the complement: SURF1 is on the minus strand). VCF-style: chr9-133352477-G-A. GRCh37 (hg19) VCF-style: chr9-136219332-G-A.
Other names: c.393C>T, p.Gly131= (NM_001280787.1).
Identifiers: ClinVar variation 1399313 (VCV001399313.4), dbSNP rs200407815, ClinGen allele CA200832346.

ClinVar aggregate classification (germline): Conflicting classifications of pathogenicity. Review status: criteria provided, conflicting classifications (1 of 4 stars). 2 submissions from 2 submitters: Uncertain significance (1); Likely benign (1). Last evaluated 2024-01-11.

Conditions:
Leigh syndrome (NULS). Also called: Leigh's necrotizing encephalopathy; Leigh's disease; Leigh Syndrome (mtDNA deletion); Leigh's syndrome; LEIGH SYNDROME, NUCLEAR; Leigh Disease. Identifiers: Orphanet 506, MedGen C2931891, MONDO:0009723, OMIM 256000.

Allele frequency attached by ClinVar (database versions not stated): TOPMed 0.00005; gnomAD 0.00007 and 0.00008.
gnomAD v4.1: 55 of 1,614,084 alleles (0.0034%); highest among the groups gnomAD compares: Admixed American, 0.005%; no homozygotes.

Submissions (2):

Blueprint Genetics
Classification: Likely benign. Last evaluated: 2024-01-11. Review status: criteria provided, single submitter. Criteria: ACMG Guidelines, 2015. Collection method: clinical testing. Allele origin: germline.

Labcorp Genetics (formerly Invitae), Labcorp
Classification: Uncertain significance for Leigh syndrome. Last evaluated: 2022-09-01. Review status: criteria provided, single submitter. Criteria: Invitae Variant Classification Sherloc (09022015). Collection method: clinical testing. Allele origin: germline.
Comment: This sequence change affects codon 240 of the SURF1 mRNA. It is a 'silent' change, meaning that it does not change the encoded amino acid sequence of the SURF1 protein. This variant is present in population databases (rs200407815, gnomAD 0.007%). This variant has not been reported in the literature in individuals affected with SURF1-related conditions. ClinVar contains an entry for this variant (Variation ID: 1399313). Algorithms developed to predict the effect of sequence changes on RNA splicing suggest that this variant may create or strengthen a splice site. In summary, the available evidence is currently insufficient to determine the role of this variant in disease. Therefore, it has been classified as a Variant of Uncertain Significance.